The following is an entry in ClinVar:

NM_006279.5(ST3GAL3):c.595G>A (p.Val199Met)

Gene: ST3GAL3 (ST3 beta-galactoside alpha-2,3-sialyltransferase 3; plus strand). Cytogenetic location: 1p34.1.
Variant type: single nucleotide variant.
Coding change: c.595G>A on transcript NM_006279.5 (MANE Select); coding-DNA position 595, G replaced by A.
Protein change: p.Val199Met; replaces valine 199 with methionine.
Molecular consequence: missense variant. On other transcripts: non-coding transcript variant (5), intron variant (7).
Genome position (GRCh38, 1-based): chr1:43,899,578, G>A. VCF-style: chr1-43899578-G-A. GRCh37 (hg19) VCF-style: chr1-44365250-G-A.
Other names: c.595G>A, p.Val199Met (NM_001270459.2, NM_001350620.2, NM_174966.4); c.502G>A, p.Val168Met (NM_001270460.2); c.547G>A, p.Val183Met (NM_001270461.3, NM_174969.4); c.454G>A, p.Val152Met (NM_001270462.3); c.640G>A, p.Val214Met (NM_001350619.2, NM_174964.4); c.316G>A, p.Val106Met (NM_001350621.2); c.757G>A, p.Val253Met (NM_001363573.2, NM_174968.5); c.802G>A, p.Val268Met (NM_174963.5); and 9 more; short protein forms V106M, V152M, V168M, V183M, V199M, V214M, V237M, V253M.
Identifiers: ClinVar variation 981411 (VCV000981411.3), dbSNP rs2077936349, ClinGen allele CA340270213.
Genomic context (GRCh38, chr1:43,899,578, plus strand): 5'-CTGAGTGGGCCTGCTCTCTGTAGACTGAATTCAGCACCAGTGAAAGGCTTTGAGAAGGAC[G>A]TGGGCAGCAAAACGACACTGCGCATCACCTACCCCGAGGGCGCCATGCAGCGGCCTGAGC-3'
Protein context (NP_006270.1, residues 189-209): SAPVKGFEKD[Val199Met]GSKTTLRITY

ClinVar aggregate classification (germline): Uncertain significance. Review status: criteria provided, multiple submitters, no conflicts (2 of 4 stars). 3 submissions from 3 submitters: Uncertain significance (3). Last evaluated 2025-07-15.

Conditions:
Early-infantile DEE. Also called: Ohtahara syndrome; Early infantile epileptic encephalopathy; Early infantile epileptic encephalopathy with suppression bursts. Identifiers: Orphanet 1934, MedGen C0393706, MONDO:0800491.
Inborn genetic diseases. Identifiers: MedGen C0950123, MeSH D030342.
Intellectual disability. Also called: intellectual disabilities; Intellectual developmental disorder; Intellectual functioning disability. Identifiers: MedGen C3714756, MeSH D008607, MONDO:0001071, HP:0001249.

Allele frequency attached by ClinVar (database versions not stated): gnomAD exomes below 0.00001; TOPMed below 0.00001.
gnomAD v4.1: 2 of 1,613,998 alleles (0.00012%); highest among the groups gnomAD compares: Non-Finnish European, 0.00017%; no homozygotes.

Submissions (3):

Labcorp Genetics (formerly Invitae), Labcorp
Classification: Uncertain significance for Early-infantile DEE. Last evaluated: 2025-07-15. Review status: criteria provided, single submitter. Criteria: Invitae Variant Classification Sherloc (09022015). Collection method: clinical testing. Allele origin: germline.
Comment: This sequence change replaces valine, which is neutral and non-polar, with methionine, which is neutral and non-polar, at codon 199 of the ST3GAL3 protein (p.Val199Met). This variant is not present in population databases (gnomAD no frequency). This variant has not been reported in the literature in individuals affected with ST3GAL3-related conditions. ClinVar contains an entry for this variant (Variation ID: 981411). Invitae Evidence Modeling of protein sequence and biophysical properties (such as structural, functional, and spatial information, amino acid conservation, physicochemical variation, residue mobility, and thermodynamic stability) indicates that this missense variant is expected to disrupt ST3GAL3 protein function with a positive predictive value of 80%. In summary, the available evidence is currently insufficient to determine the role of this variant in disease. Therefore, it has been classified as a Variant of Uncertain Significance.

Ambry Genetics
Classification: Uncertain significance for Inborn genetic diseases. Last evaluated: 2024-12-11. Review status: criteria provided, single submitter. Criteria: Ambry Variant Classification Scheme 2023. Collection method: clinical testing. Allele origin: germline.

Diagnostic Laboratory, Strasbourg University Hospital
Classification: Uncertain significance for Intellectual disability. Last evaluated: 2020-09-10. Review status: criteria provided, single submitter. Criteria: ACMG Guidelines, 2015. Collection method: clinical testing. Allele origin: inherited. Affected: yes. Observed: 1 homozygote.